The following is an entry in ClinVar:

ClinVar aggregate classification (germline): Conflicting classifications of pathogenicity. Review status: criteria provided, conflicting classifications (1 of 4 stars). 2 submissions from 2 submitters: Uncertain significance (1); Benign (1). Last evaluated 2024-06-01.

Conditions:
Vesicoureteral reflux 2 (VUR2). Identifiers: Orphanet 289365, MedGen C1970483, MONDO:0012573, OMIM 610878.

Allele frequency attached by ClinVar (database versions not stated): gnomAD 0.00005 and 0.00006; TOPMed 0.00005; gnomAD exomes 0.00007; ExAC 0.00010; ESP Exome Variant Server 0.00025.
gnomAD v4.1: 105 of 1,613,276 alleles (0.0065%); highest among the groups gnomAD compares: Non-Finnish European, 0.0082%; no homozygotes.

Submissions (2):

Fulgent Genetics
Classification: Uncertain significance for Vesicoureteral reflux 2. Last evaluated: 2024-06-01. Review status: criteria provided, single submitter. Criteria: ACMG Guidelines, 2015. Collection method: clinical testing. Allele origin: germline.

Illumina Laboratory Services, Illumina
Classification: Benign for Vesicoureteral reflux 2. Last evaluated: 2018-01-13. Review status: criteria provided, single submitter. Criteria: ICSL Variant Classification Criteria 13 December 2019. Collection method: clinical testing. Allele origin: germline.
Comment: This variant was observed in the ICSL laboratory as part of a predisposition screen in an ostensibly healthy population. It had not been previously curated by ICSL or reported in the Human Gene Mutation Database (HGMD: prior to June 1st, 2018), and was therefore a candidate for classification through an automated scoring system. Utilizing variant allele frequency, disease prevalence and penetrance estimates, and inheritance mode, an automated score was calculated to assess if this variant is too frequent to cause the disease. Based on the score and internal cut-off values, a variant classified as benign is not then subjected to further curation. The score for this variant resulted in a classification of benign for this disease.

NM_001395656.1(ROBO2):c.4420+5G>C

Gene: ROBO2 (roundabout guidance receptor 2; plus strand). Cytogenetic location: 3p12.3.
Variant type: single nucleotide variant.
Coding change: c.4420+5G>C on transcript NM_001395656.1 (MANE Select); 5 bases into the intron after coding-DNA position 4420, G replaced by C.
Molecular consequence: intron variant.
Genome position (GRCh38, 1-based): chr3:77,644,909, G>C. VCF-style: chr3-77644909-G-C. GRCh37 (hg19) VCF-style: chr3-77694060-G-C.
Other names: c.4594+5G>C (NM_001378191.1); c.4321+5G>C (NM_001378195.1); c.4312+14G>C (NM_001378196.1); c.4468+5G>C (NM_001378190.1); c.4195+5G>C (NM_001378200.1); c.4186+14G>C (NM_001378201.1); c.4012+14G>C (NM_001378203.1); c.4183+5G>C (NM_001128929.3); and 15 more.
Identifiers: ClinVar variation 346716 (VCV000346716.7), dbSNP rs373371736, ClinGen allele CA2497851.